The following is an entry in ClinVar:

NM_024675.4(PALB2):c.754A>G (p.Thr252Ala)

Gene: PALB2 (partner and localizer of BRCA2; minus strand). Cytogenetic location: 16p12.2.
Variant type: single nucleotide variant.
Coding change: c.754A>G on transcript NM_024675.4 (MANE Select); coding-DNA position 754, A replaced by G.
Protein change: p.Thr252Ala; replaces threonine 252 with alanine.
Molecular consequence: missense variant. On other transcripts: 5 prime UTR variant (8), intron variant (3).
Genome position (GRCh38, 1-based): chr16:23,635,792, T>C on the plus strand (A>G on the coding strand, the complement: PALB2 is on the minus strand). VCF-style: chr16-23635792-T-C. GRCh37 (hg19) VCF-style: chr16-23647113-T-C.
Other names: c.694A>G, p.Thr232Ala (NM_001407296.1); c.754A>G, p.Thr252Ala (NM_001407297.1, NM_001407298.1, NM_001407299.1 and 3 more transcripts); c.-132A>G (NM_001407304.1, NM_001407305.1, NM_001407306.1 and 5 more transcripts); c.48+5318A>G (NM_001407314.1); c.-105+5318A>G (NM_001407313.1, NM_001407312.1); short protein forms T232A, T252A.
Identifiers: ClinVar variation 4861515 (VCV004861515.1).

ClinVar aggregate classification (germline): Uncertain significance (1 of 4 stars; one submission).

Conditions:
Hereditary cancer-predisposing syndrome. Also called: Neoplastic Syndromes, Hereditary; Tumor predisposition; Hereditary Cancer Syndrome; Hereditary neoplastic syndrome. Identifiers: Orphanet 140162, MedGen C0027672, MeSH D009386, MONDO:0015356.

Submission:

Ambry Genetics
Classification: Uncertain significance for Hereditary cancer-predisposing syndrome. Last evaluated: 2026-06-12. Review status: criteria provided, single submitter. Criteria: Ambry Variant Classification Scheme 2023. Collection method: clinical testing. Allele origin: germline.
Comment: The p.T252A variant (also known as c.754A>G), located in coding exon 4 of the PALB2 gene, results from an A to G substitution at nucleotide position 754. The threonine at codon 252 is replaced by alanine, an amino acid with similar properties. This amino acid position is conserved. In addition, this alteration is predicted to be tolerated by in silico analysis. Based on the available evidence, the clinical significance of this variant remains unclear.